The following is an entry in ClinVar:

NM_000257.4(MYH7):c.323G>T (p.Arg108Leu)

Gene: MYH7 (myosin heavy chain 7; minus strand). Cytogenetic location: 14q11.2.
Variant type: single nucleotide variant.
Coding change: c.323G>T on transcript NM_000257.4 (MANE Select); coding-DNA position 323, G replaced by T.
Protein change: p.Arg108Leu; replaces arginine 108 with leucine.
Molecular consequence: missense variant.
Genome position (GRCh38, 1-based): chr14:23,433,106, C>A on the plus strand (G>T on the coding strand, the complement: MYH7 is on the minus strand). VCF-style: chr14-23433106-C-A. GRCh37 (hg19) VCF-style: chr14-23902315-C-A.
Other names: c.323G>T, p.Arg108Leu (NM_001407004.1); short protein forms R108L.
Identifiers: ClinVar variation 3070072 (VCV003070072.2), dbSNP rs730880832, ClinGen allele CA389053083.

ClinVar aggregate classification (germline): Uncertain significance. Review status: criteria provided, multiple submitters, no conflicts (2 of 4 stars). 2 submissions from 2 submitters: Uncertain significance (2). Last evaluated 2024-09-20.

Conditions:
Hypertrophic cardiomyopathy 1 (CMH1). Also called: Familial hypertrophic cardiomyopathy 1; MYH7-Related Familial Hypertrophic Cardiomyopathy. Identifiers: MedGen C3495498, MONDO:0008647, OMIM 192600.
Cardiomyopathy (CMYO). Also called: Cardiomyopathies. Identifiers: Orphanet 167848, MedGen C0878544, MONDO:0004994, HP:0001638. Inheritance: Various modes of inheritance.

Submissions (2):

Victorian Clinical Genetics Services, Murdoch Childrens Research Institute
Classification: Uncertain significance for Hypertrophic cardiomyopathy 1. Last evaluated: 2024-09-20. Review status: criteria provided, single submitter. Criteria: ACMG Guidelines, 2015. Collection method: clinical testing. Allele origin: germline. Inheritance: Autosomal dominant inheritance. Affected: yes.
Comment: Based on the classification scheme VCGS_Germline_v1.3.4, this variant is classified as VUS-3B. Following criteria are met: 0105 - The mechanism of disease for this gene is not clearly established; however, missense variants have been proposed to act in a dominant negative manner (PMID: 24714796). (I) 0108 - This gene is associated with both recessive and dominant disease. Disease associated with this gene usually has autosomal dominant inheritance; however, a recessive inheritance pattern has been observed in severe cases (OMIM). (I) 0112 - The condition associated with this gene has incomplete penetrance (PMID: 29300372). (I) 0200 - Variant is predicted to result in a missense amino acid change from arginine to leucine. (I) 0251 - This variant is heterozygous. (I) 0301 - Variant is absent from gnomAD (both v2 and v3). (SP) 0501 - Missense variant consistently predicted to be damaging by multiple in silico tools or highly conserved with a major amino acid change. (SP) 0600 - Variant is located in the annotated myosin head domain (DECIPHER). (I) 0708 - Other missense variants comparable to the one identified in this case have conflicting previous evidence for pathogenicity. Two alternative changes, p.(Arg108His) and p.(Arg108Cys), have been classified as VUS in ClinVar, with the former change reviewed by an expert panel (ClinVar). However, a more recent publication has identified the p.(Arg108His) variant as de novo in an individual with symptomatic sinus bradycardia and was classified as pathogenic (PMID: 35893073). (I) 0807 - This variant has no previous evidence of pathogenicity. (I) 0905 - No published segregation evidence has been identified for this variant. (I) 1007 - No published functional evidence has been identified for this variant. (I) Legend: (SP) - Supporting pathogenic, (I) - Information, (SB) - Supporting benign

All of Us Research Program, National Institutes of Health
Classification: Uncertain significance for Cardiomyopathy. Last evaluated: 2023-04-03. Review status: criteria provided, single submitter. Criteria: ACMG Guidelines, 2015. Collection method: clinical testing. Allele origin: germline. Inheritance: Autosomal dominant inheritance. Observed: 1 variant allele, 1 heterozygote.
Comment: This missense variant replaces arginine with leucine at codon 108 of the MYH7 protein. Computational prediction suggests that this variant may have a deleterious impact on protein structure and function (internally defined REVEL score threshold >= 0.7, PMID: 27666373). This variant is found within a highly conserved region of the myosin head domain. Missense variants in this region have been shown to be significantly overrepresented in individuals with hypertrophic cardiomyopathy (PMID: 27532257). To our knowledge, functional studies have not been reported for this variant. This variant has not been reported in individuals affected with MYH7-related disorders in the literature. This variant has not been identified in the general population by the Genome Aggregation Database (gnomAD). The available evidence is insufficient to determine the role of this variant in disease conclusively. Therefore, this variant is classified as a Variant of Uncertain Significance.

This study involves interpretation of variants in research participants for the purpose of population health screening. Participant phenotype was not available at the time of variant classification. Additional details can be found in publication PMID: 35346344, PMCID: PMC8962531

Literature cited by the submitters: PubMed 24714796 (cited by Victorian Clinical Genetics Services, Murdoch Childrens Research Institute); PubMed 29300372 (cited by Victorian Clinical Genetics Services, Murdoch Childrens Research Institute); PubMed 35893073 (cited by Victorian Clinical Genetics Services, Murdoch Childrens Research Institute); PubMed 27532257 (cited by All of Us Research Program, National Institutes of Health).